The following is an entry in ClinVar:

NM_001374385.1(ATP8B1):c.1675_1689del (p.Val559_Arg563del)

Gene: ATP8B1 (ATPase phospholipid transporting 8B1; minus strand). Cytogenetic location: 18q21.31.
Variant type: Deletion.
Coding change: c.1675_1689del on transcript NM_001374385.1 (MANE Select); coding-DNA positions 1675 to 1689, 15 bases deleted (GTAAACGCTGCCAGG).
Protein change: p.Val559_Arg563del.
Genome position (GRCh38, 1-based): chr18:57,674,964-57,674,978, CCTGGCAGCGTTTAC deleted on the plus strand (GTAAACGCTGCCAGG on the coding strand, the reverse complement: ATP8B1 is on the minus strand); deleting any 15 consecutive bases within chr18:57,674,964-57,674,979 gives the same sequence; the c. name uses the placement nearest the transcript's 3' end. VCF-style (leftmost placement, unchanged base first): chr18-57674963-TCCTGGCAGCGTTTAC-T. GRCh37 (hg19) VCF-style: chr18-55342195-TCCTGGCAGCGTTTAC-T.
Other names: c.1525_1539del, p.Val509_Arg513del (NM_001374386.1); c.1675_1689del, p.Val559_Arg563del (NM_005603.6).
Identifiers: ClinVar variation 4846306 (VCV004846306.1).

ClinVar aggregate classification (germline): Likely pathogenic (1 of 4 stars; one submission).

Conditions:
Familial intrahepatic cholestasis. Identifiers: Orphanet 284385, MedGen CN296401, MONDO:0017290.

Submission:

Genomenon, Inc
Classification: Likely pathogenic for Familial intrahepatic cholestasis. Last evaluated: 2026-04-14. Review status: criteria provided, single submitter. Criteria: Genomenon Sequence Variant Interpretation Standards - Updated. Collection method: curation. Allele origin: germline. Affected: yes.
Comment: ATP8B1 p.Val559_Arg563del (c.1675_1689del) is a deletion variant that causes the deletion of multiple amino acids, from Valine at position 559 to Arginine at position 563. This variant has been observed in at least one proband with features of ATP8B1-deficiency (PMID:26382629;27050426). It has been observed in trans with a pathogenic or likely pathogenic variant (PMID:26382629). It is absent or not present at a significant frequency in gnomAD. In conclusion, we classify ATP8B1 p.Val559_Arg563del (c.1675_1689del) as a likely pathogenic variant.

Literature cited by the submitters: PubMed 26382629; PubMed 27050426.